The following is an entry in ClinVar:

NM_001358530.2(MOCS1):c.124-118G>T

Gene: MOCS1 (molybdenum cofactor synthesis 1; minus strand). Cytogenetic location: 6p21.2.
Variant type: single nucleotide variant.
Coding change: c.124-118G>T on transcript NM_001358530.2 (MANE Select); 118 bases into the intron before coding-DNA position 124, G replaced by T.
Molecular consequence: intron variant. On other transcripts: missense variant (1).
Genome position (GRCh38, 1-based): chr6:39,927,573, C>A on the plus strand (G>T on the coding strand, the complement: MOCS1 is on the minus strand). VCF-style: chr6-39927573-C-A. GRCh37 (hg19) VCF-style: chr6-39895312-C-A.
Other names: c.6G>T, p.Trp2Cys (NM_005943.6); c.-11-1728G>T (NM_001358531.2, NM_001358533.2); c.124-118G>T (NM_001358529.2, NM_001075098.4); c.-138-118G>T (NM_001358534.2); short protein forms W2C.
Identifiers: ClinVar variation 2326896 (VCV002326896.6), dbSNP rs142029250, ClinGen allele CA3796460.

ClinVar aggregate classification (germline): Uncertain significance. Review status: criteria provided, multiple submitters, no conflicts (2 of 4 stars). 4 submissions from 4 submitters: Uncertain significance (4). Last evaluated 2024-07-27.

Conditions:
Sulfite oxidase deficiency due to molybdenum cofactor deficiency type A. Also called: Molybdenum Cofactor Deficiency A; Molybdenum cofactor deficiency, complementation group A. Identifiers: Orphanet 308386, Orphanet 833, MedGen C1854988, MONDO:0009643, OMIM 252150.
Inborn genetic diseases. Identifiers: MedGen C0950123, MeSH D030342.

Allele frequency attached by ClinVar (database versions not stated): gnomAD exomes 0.00003; ExAC 0.00010; ESP Exome Variant Server 0.00023; 1000 Genomes Project 0.00040; gnomAD 0.00044; TOPMed 0.00054; 1000 Genomes Project 30x 0.00062.
gnomAD v4.1: 109 of 1,609,310 alleles (0.0068%); highest among the groups gnomAD compares: African/African-American, 0.12%; 1 homozygote.

Submissions (4):

Ambry Genetics
Classification: Uncertain significance for Inborn genetic diseases. Last evaluated: 2024-07-27. Review status: criteria provided, single submitter. Criteria: Ambry Variant Classification Scheme 2023. Collection method: clinical testing. Allele origin: germline.

Fulgent Genetics
Classification: Uncertain significance for Sulfite oxidase deficiency due to molybdenum cofactor deficiency type A. Last evaluated: 2024-06-21. Review status: criteria provided, single submitter. Criteria: ACMG Guidelines, 2015. Collection method: clinical testing. Allele origin: germline.

Blueprint Genetics
Classification: Uncertain significance. Last evaluated: 2023-12-07. Review status: criteria provided, single submitter. Criteria: ACMG Guidelines, 2015. Collection method: clinical testing. Allele origin: germline.

Women's Health and Genetics/Laboratory Corporation of America, LabCorp
Classification: Uncertain significance. Last evaluated: 2023-09-29. Review status: criteria provided, single submitter. Criteria: LabCorp Variant Classification Summary - May 2015. Collection method: clinical testing. Allele origin: germline.
Comment: Variant summary: MOCS1 c.6G>T (p.Trp2Cys) results in a non-conservative amino acid change in the encoded protein sequence. Three of four in-silico tools predict a benign effect of the variant on protein function. The variant allele was found at a frequency of 0.0001 in 244980 control chromosomes (gnomAD). To our knowledge, no occurrence of c.6G>T in individuals affected with Sulfite Oxidase Deficiency Due To Molybdenum Cofactor Deficiency Type A and no experimental evidence demonstrating its impact on protein function have been reported. One submitter has cited clinical-significance assessments for this variant to ClinVar after 2014 and has classified the variant as uncertain significance. Based on the evidence outlined above, the variant was classified as uncertain significance.